The following is an entry in ClinVar:

ClinVar aggregate classification (germline): Uncertain significance (1 of 4 stars; one submission).

gnomAD v4.1: 3 of 1,612,344 alleles (0.00019%); highest among the groups gnomAD compares: East Asian, 0.0067%; no homozygotes.

Submission:

Ambry Genetics
Classification: Uncertain significance. Last evaluated: 2026-05-27. Review status: criteria provided, single submitter. Criteria: Ambry Variant Classification Scheme 2023. Collection method: clinical testing. Allele origin: germline.
Comment: The p.V73G variant (also known as c.218T>G), located in coding exon 2 of the GEN1 gene, results from a T to G substitution at nucleotide position 218. The valine at codon 73 is replaced by glycine, an amino acid with dissimilar properties. This amino acid position is conserved. In addition, this alteration is predicted to be deleterious by in silico analysis. Based on the available evidence, the clinical significance of this variant remains unclear.

NM_001130009.3(GEN1):c.218T>G (p.Val73Gly)

Gene: GEN1 (GEN1 structure-specific endonuclease; plus strand). Cytogenetic location: 2p24.2.
Variant type: single nucleotide variant.
Coding change: c.218T>G on transcript NM_001130009.3 (MANE Select); coding-DNA position 218, T replaced by G.
Protein change: p.Val73Gly; replaces valine 73 with glycine.
Molecular consequence: missense variant.
Genome position (GRCh38, 1-based): chr2:17,761,452, T>G. VCF-style: chr2-17761452-T-G. GRCh37 (hg19) VCF-style: chr2-17942719-T-G.
Other names: c.218T>G, p.Val73Gly (NM_182625.5); short protein forms V73G.
Identifiers: ClinVar variation 4858000 (VCV004858000.1).